The following is an entry in ClinVar:

NM_024923.4(NUP210):c.3517C>T (p.Arg1173Cys)

Gene: NUP210 (nucleoporin 210; minus strand). Cytogenetic location: 3p25.1.
Variant type: single nucleotide variant.
Coding change: c.3517C>T on transcript NM_024923.4 (MANE Select); coding-DNA position 3517, C replaced by T.
Protein change: p.Arg1173Cys; replaces arginine 1173 with cysteine.
Molecular consequence: missense variant.
Genome position (GRCh38, 1-based): chr3:13,337,872, G>A on the plus strand (C>T on the coding strand, the complement: NUP210 is on the minus strand). VCF-style: chr3-13337872-G-A. GRCh37 (hg19) VCF-style: chr3-13379372-G-A.
Other names: short protein forms R1173C.
Identifiers: ClinVar variation 3234141 (VCV003234141.20), dbSNP rs144770995, ClinGen allele CA2263410.
Genomic context (GRCh38, chr3:13,337,872, plus strand): 5'-TTCAGAGCCCAGGAGGTCCCCTCACCTGGGTGCCCGTCCTCATCCGCATGATGGGGGCGC[G>A]GATCCTCACGGCCCTTAGCAGCAGCACCTCCACCTGCACGAGGTCCTGGGGAAACAGGGT-3'
Protein context (NP_079199.2, residues 1163-1183): EVLLLRAVRI[Arg1173Cys]APIMRMRTGT

ClinVar aggregate classification (germline): Likely benign (1 of 4 stars; one submission).

Allele frequency attached by ClinVar (database versions not stated): 1000 Genomes Project 0.00060; 1000 Genomes Project 30x 0.00078; ESP Exome Variant Server 0.00100; gnomAD 0.00125; TOPMed 0.00167; gnomAD exomes 0.00172; ExAC 0.00177.
gnomAD v4.1: 2,682 of 1,612,644 alleles (0.17%); highest among the groups gnomAD compares: South Asian, 0.24%; 4 homozygotes.

Submission:

CeGaT Center for Human Genetics Tuebingen
Classification: Likely benign. Last evaluated: 2024-04-01. Review status: criteria provided, single submitter. Criteria: CeGaT Center For Human Genetics Tuebingen Variant Classification Criteria Version 2. Collection method: clinical testing. Allele origin: germline. Affected: yes. Observed: 1 variant allele.
Comment: NUP210: BP4, BS1